The following is an entry in ClinVar:

ClinVar aggregate classification (germline): Pathogenic (1 of 4 stars; one submission).

Submission:

Labcorp Genetics (formerly Invitae), Labcorp
Classification: Pathogenic. Last evaluated: 2024-08-01. Review status: criteria provided, single submitter. Criteria: Invitae Variant Classification Sherloc (09022015). Collection method: clinical testing. Allele origin: germline.
Comment: This sequence change creates a premature translational stop signal (p.Lys389Cysfs*49) in the TET2 gene. It is expected to result in an absent or disrupted protein product. Loss-of-function variants in TET2 are known to be pathogenic (PMID: 36066697). This variant is not present in population databases (gnomAD no frequency). This variant has not been reported in the literature in individuals affected with TET2-related conditions. For these reasons, this variant has been classified as Pathogenic.

Literature cited by the submitters: PubMed 36066697.

NM_001127208.3(TET2):c.1164_1177del (p.Lys389fs)

Genes: TET2 (tet methylcytosine dioxygenase 2; plus strand), TET2-AS1 (TET2 antisense RNA 1; minus strand). Cytogenetic location: 4q24.
Variant type: Deletion.
Coding change: c.1164_1177del on transcript NM_001127208.3 (MANE Select); coding-DNA positions 1164 to 1177, 14 bases deleted (TAAGGATTCCTTTT).
Protein change: p.Lys389fs; shifts the reading frame from lysine 389.
Molecular consequence: frameshift variant.
Genome position (GRCh38, 1-based): chr4:105,235,106-105,235,119, TAAGGATTCCTTTT deleted. VCF-style (leftmost placement, unchanged base first): chr4-105235105-CTAAGGATTCCTTTT-C. GRCh37 (hg19) VCF-style: chr4-106156262-CTAAGGATTCCTTTT-C.
Other names: c.1164_1177del, p.Lys389fs (NM_017628.4); short protein forms K389fs.
Identifiers: ClinVar variation 3658442 (VCV003658442.2).